The following is an entry in ClinVar:

NM_182914.3(SYNE2):c.19225C>T (p.Pro6409Ser)

Gene: SYNE2 (spectrin repeat containing nuclear envelope protein 2; plus strand). Cytogenetic location: 14q23.2.
Variant type: single nucleotide variant.
Coding change: c.19225C>T on transcript NM_182914.3 (MANE Select); coding-DNA position 19225, C replaced by T.
Protein change: p.Pro6409Ser; replaces proline 6409 with serine.
Molecular consequence: missense variant.
Genome position (GRCh38, 1-based): chr14:64,214,362, C>T. VCF-style: chr14-64214362-C-T. GRCh37 (hg19) VCF-style: chr14-64681080-C-T.
Other names: c.19225C>T, p.Pro6409Ser (NM_015180.6); c.127C>T, p.Pro43Ser (NM_182913.4); short protein forms P43S, P6409S.
Identifiers: ClinVar variation 4714049 (VCV004714049.1).
Genomic context (GRCh38, chr14:64,214,362, plus strand): 5'-TCTCCTCAGTCCCTGTGTCATCTAGTGGCCCCAGGGCACGAGCGGTCTGGCTGCGAGACC[C>T]CTGTCAGCGTGGACTCCATCCCCCTGGAGTGGGACCACACAGGCGACGTGGGGGGCTCCT-3'
Protein context (NP_878918.2, residues 6399-6419): PGHERSGCET[Pro6409Ser]VSVDSIPLEW

ClinVar aggregate classification (germline): Uncertain significance (1 of 4 stars; one submission).

Conditions:
Emery-Dreifuss muscular dystrophy 5, autosomal dominant (EDMD5). Also called: EMERY-DREIFUSS MUSCULAR DYSTROPHY 5. Identifiers: Orphanet 261, MedGen C2751805, MONDO:0013072, OMIM 612999.

Submission:

Labcorp Genetics (formerly Invitae), Labcorp
Classification: Uncertain significance for Emery-Dreifuss muscular dystrophy 5, autosomal dominant. Last evaluated: 2025-02-27. Review status: criteria provided, single submitter. Criteria: Invitae Variant Classification Sherloc (09022015). Collection method: clinical testing. Allele origin: germline.
Comment: This sequence change replaces proline, which is neutral and non-polar, with serine, which is neutral and polar, at codon 6409 of the SYNE2 protein (p.Pro6409Ser). This variant is not present in population databases (gnomAD no frequency). This variant has not been reported in the literature in individuals affected with SYNE2-related conditions. An algorithm developed to predict the effect of missense changes on protein structure and function (PolyPhen-2) suggests that this variant is likely to be disruptive. In summary, the available evidence is currently insufficient to determine the role of this variant in disease. Therefore, it has been classified as a Variant of Uncertain Significance.